The following is an entry in ClinVar:

NM_005263.5(GFI1):c.483T>C (p.Pro161=)

Gene: GFI1 (growth factor independent 1 transcriptional repressor; minus strand). Cytogenetic location: 1p22.1.
Variant type: single nucleotide variant.
Coding change: c.483T>C on transcript NM_005263.5 (MANE Select); coding-DNA position 483, T replaced by C.
Protein change: p.Pro161=; no amino-acid change (proline 161 retained).
Molecular consequence: synonymous variant.
Genome position (GRCh38, 1-based): chr1:92,480,904, A>G on the plus strand (T>C on the coding strand, the complement: GFI1 is on the minus strand). VCF-style: chr1-92480904-A-G. GRCh37 (hg19) VCF-style: chr1-92946461-A-G.
Other names: c.483T>C, p.Pro161= (NM_001127215.3, NM_001127216.3).
Identifiers: ClinVar variation 470695 (VCV000470695.42), dbSNP rs374062963, ClinGen allele CA951374.
Genomic context (GRCh38, chr1:92,480,904, plus strand): 5'-CGCCCCGGCCCCCGCGCCGCCGGCAGCCCGCTTCGGGCCGTACAGCGCGGCCGGGTGGCC[A>G]GGCTCCGGGGCGGGTTCGCAGAAGAGGCCCAGGCCAGCGCCACGCTCCAGGGCCCCACAC-3'
Protein context (NP_005254.2, residues 151-171): LGLFCEPAPE[Pro161=]GHPAALYGPK

ClinVar aggregate classification (germline): Benign/Likely benign. Review status: criteria provided, multiple submitters, no conflicts (2 of 4 stars). 6 submissions from 6 submitters: Benign (4); Likely benign (2). Last evaluated 2026-01-05.

Conditions:
Neutropenia, severe congenital, 2, autosomal dominant. Identifiers: Orphanet 486, MedGen C2751288, MONDO:0013139, OMIM 613107.

Allele frequency attached by ClinVar (database versions not stated): gnomAD exomes 0.00023 and 0.00047; ExAC 0.00031; 1000 Genomes Project 0.00180; 1000 Genomes Project 30x 0.00187; ESP Exome Variant Server 0.00201; gnomAD 0.00273 and 0.00289; TOPMed 0.00304.
gnomAD v4.1: 740 of 1,546,282 alleles (0.048%); highest among the groups gnomAD compares: African/African-American, 0.94%; 7 homozygotes.

Submissions (6):

Labcorp Genetics (formerly Invitae), Labcorp
Classification: Benign for Neutropenia, severe congenital, 2, autosomal dominant. Last evaluated: 2026-01-05. Review status: criteria provided, single submitter. Criteria: Invitae Variant Classification Sherloc (09022015). Collection method: clinical testing. Allele origin: germline.

Blueprint Genetics
Classification: Likely benign. Last evaluated: 2024-10-18. Review status: criteria provided, single submitter. Criteria: ACMG Guidelines, 2015. Collection method: clinical testing. Allele origin: germline.

ARUP Laboratories, Molecular Genetics and Genomics, ARUP Laboratories
Classification: Benign. Last evaluated: 2024-05-01. Review status: criteria provided, single submitter. Criteria: ARUP Molecular Germline Variant Investigation Process 2024. Collection method: clinical testing. Allele origin: germline.

CeGaT Center for Human Genetics Tuebingen
Classification: Likely benign. Last evaluated: 2024-05-01. Review status: criteria provided, single submitter. Criteria: CeGaT Center For Human Genetics Tuebingen Variant Classification Criteria Version 2. Collection method: clinical testing. Allele origin: germline. Affected: yes. Observed: 2 variant alleles.
Comment: GFI1: BP4, BP7, BS2

Genetic Services Laboratory, University of Chicago
Classification: Benign. Last evaluated: 2020-08-28. Review status: criteria provided, single submitter. Criteria: ACMG Guidelines, 2015. Collection method: clinical testing. Allele origin: germline. Affected: no.

Breakthrough Genomics
Classification: Benign. Review status: criteria provided, single submitter. Criteria: ACMG Guidelines, 2015. Collection method: not provided. Allele origin: germline. Inheritance: Autosomal dominant inheritance. Affected: yes.